The following is an entry in ClinVar:

ClinVar aggregate classification (germline): Likely pathogenic (1 of 4 stars; one submission).

Conditions:
Dilated cardiomyopathy 1G (CMD1G). Identifiers: Orphanet 154, MedGen C1858763, MONDO:0011400, OMIM 604145.
Autosomal recessive limb-girdle muscular dystrophy type 2J (LGMDR10). Also called: Limb-girdle muscular dystrophy, type 2J; MUSCULAR DYSTROPHY, LIMB-GIRDLE, AUTOSOMAL RECESSIVE 10. Identifiers: Orphanet 140922, MedGen C1837342, MONDO:0012127, OMIM 608807.

Submission:

Labcorp Genetics (formerly Invitae), Labcorp
Classification: Likely pathogenic for Dilated cardiomyopathy 1G; Autosomal recessive limb-girdle muscular dystrophy type 2J. Last evaluated: 2025-12-08. Review status: criteria provided, single submitter. Criteria: Invitae Variant Classification Sherloc (09022015). Collection method: clinical testing. Allele origin: germline.
Comment: This sequence change creates a premature translational stop signal (p.Lys32729Asnfs*10) in the TTN gene. While this is not anticipated to result in nonsense mediated decay, it is expected to create a truncated TTN protein. This variant is not present in population databases (gnomAD no frequency). This variant has not been reported in the literature in individuals affected with TTN-related conditions. ClinVar contains an entry for this variant (Variation ID: 3759518). This variant is located in the A band of TTN (PMID: 25589632). Truncating variants in this region are significantly overrepresented in patients affected with dilated cardiomyopathy (PMID: 25589632). Truncating variants in this region have also been reported in individuals affected with autosomal recessive centronuclear myopathy (PMID: 23975875). In summary, the currently available evidence indicates that the variant is pathogenic, but additional data are needed to prove that conclusively. Therefore, this variant has been classified as Likely Pathogenic.

Literature cited by the submitters: PubMed 25589632; PubMed 23975875.

NM_001267550.2(TTN):c.98183_98186dup (p.Lys32729fs)

Genes: TTN (titin; minus strand), TTN-AS1 (TTN antisense RNA 1; plus strand). Cytogenetic location: 2q31.2.
Variant type: Duplication.
Coding change: c.98183_98186dup on transcript NM_001267550.2 (MANE Select); coding-DNA positions 98183 to 98186, 4 bases duplicated (TCAA; older notation c.98183_98186dupTCAA).
Protein change: p.Lys32729fs; shifts the reading frame from lysine 32729.
Molecular consequence: frameshift variant. On other transcripts: non-coding transcript variant (1).
Genome position (GRCh38, 1-based): chr2:178,539,879-178,539,882, TTGA duplicated on the plus strand (TCAA on the coding strand, the reverse complement: TTN is on the minus strand); duplicating any 4 consecutive bases within chr2:178,539,879-178,539,885 gives the same sequence; the c. name uses the placement nearest the transcript's 3' end. VCF-style (leftmost placement, unchanged base first): chr2-178539878-T-TTTGA. GRCh37 (hg19) VCF-style: chr2-179404605-T-TTTGA.
Other names: c.93260_93263dup, p.Lys31088fs (NM_001256850.1); c.70988_70991dup, p.Lys23664fs (NM_003319.4); c.90479_90482dup, p.Lys30161fs (NM_133378.4); c.71363_71366dup, p.Lys23789fs (NM_133432.3); c.71564_71567dup, p.Lys23856fs (NM_133437.4); short protein forms K23664fs, K23789fs, K23856fs, K30161fs, K31088fs, K32729fs.
Identifiers: ClinVar variation 3759518 (VCV003759518.2).